The following is an entry in ClinVar:

NM_032119.4(ADGRV1):c.8471G>C (p.Gly2824Ala)

Gene: ADGRV1 (adhesion G protein-coupled receptor V1; plus strand). Cytogenetic location: 5q14.3.
Variant type: single nucleotide variant.
Coding change: c.8471G>C on transcript NM_032119.4 (MANE Select); coding-DNA position 8471, G replaced by C.
Protein change: p.Gly2824Ala; replaces glycine 2824 with alanine.
Molecular consequence: missense variant. On other transcripts: non-coding transcript variant (1).
Genome position (GRCh38, 1-based): chr5:90,705,484, G>C. VCF-style: chr5-90705484-G-C. GRCh37 (hg19) VCF-style: chr5-90001301-G-C.
Other names: short protein forms G2824A.
Identifiers: ClinVar variation 1386598 (VCV001386598.12), dbSNP rs975296721, ClinGen allele CA122802970.
Genomic context (GRCh38, chr5:90,705,484, plus strand): 5'-TGCTTGATGCTCAAGGATATGCAGCTGTCCTCACAGTAGAAGCCAGTGATGAACCACATG[G>C]AGTTTTAAATTTTGCTCTTTCATCAAGATTTGTGTTACTACAAGAGGCTAACATAACAAT-3'
Protein context (NP_115495.3, residues 2814-2834): LTVEASDEPH[Gly2824Ala]VLNFALSSRF

ClinVar aggregate classification (germline): Uncertain significance. Review status: criteria provided, multiple submitters, no conflicts (2 of 4 stars). 4 submissions from 4 submitters: Uncertain significance (4). Last evaluated 2025-12-01.

Conditions:
Usher syndrome type 2C. Also called: USHER SYNDROME, TYPE IIC; Usher syndrome, type 2B. Identifiers: Orphanet 231178, Orphanet 886, MedGen C2931213, MONDO:0011558, OMIM 605472.
Febrile seizures, familial, 4 (FEB4). Also called: CONVULSIONS, FAMILIAL FEBRILE, 4. Identifiers: MedGen C1858493, MONDO:0011443, OMIM 604352.

gnomAD v4.1: 1 of 1,613,864 alleles (0.000062%); no homozygotes.

Submissions (4):

CeGaT Center for Human Genetics Tuebingen
Classification: Uncertain significance. Last evaluated: 2025-12-01. Review status: criteria provided, single submitter. Criteria: CeGaT Center For Human Genetics Tuebingen Variant Classification Criteria Version 2. Collection method: clinical testing. Allele origin: germline. Affected: yes. Observed: 1 variant allele.
Comment: ADGRV1: PM2, BP4

Blueprint Genetics
Classification: Uncertain significance. Last evaluated: 2022-07-13. Review status: criteria provided, single submitter. Criteria: ACMG Guidelines, 2015. Collection method: clinical testing. Allele origin: germline.

Labcorp Genetics (formerly Invitae), Labcorp
Classification: Uncertain significance. Last evaluated: 2022-07-06. Review status: criteria provided, single submitter. Criteria: Invitae Variant Classification Sherloc (09022015). Collection method: clinical testing. Allele origin: germline.
Comment: This sequence change replaces glycine, which is neutral and non-polar, with alanine, which is neutral and non-polar, at codon 2824 of the ADGRV1 protein (p.Gly2824Ala). This variant is not present in population databases (gnomAD no frequency). This variant has not been reported in the literature in individuals affected with ADGRV1-related conditions. ClinVar contains an entry for this variant (Variation ID: 1386598). Algorithms developed to predict the effect of missense changes on protein structure and function are either unavailable or do not agree on the potential impact of this missense change (SIFT: "Deleterious"; PolyPhen-2: "Probably Damaging"; Align-GVGD: "Class C0"). In summary, the available evidence is currently insufficient to determine the role of this variant in disease. Therefore, it has been classified as a Variant of Uncertain Significance.

Fulgent Genetics
Classification: Uncertain significance for Febrile seizures, familial, 4; Usher syndrome type 2C. Last evaluated: 2021-07-27. Review status: criteria provided, single submitter. Criteria: ACMG Guidelines, 2015. Collection method: clinical testing. Allele origin: unknown.